The following is an entry in ClinVar:

NM_001999.4(FBN2):c.5987C>A (p.Ser1996Tyr)

Gene: FBN2 (fibrillin 2; minus strand). Cytogenetic location: 5q23.3.
Variant type: single nucleotide variant.
Coding change: c.5987C>A on transcript NM_001999.4 (MANE Select); coding-DNA position 5987, C replaced by A.
Protein change: p.Ser1996Tyr; replaces serine 1996 with tyrosine.
Molecular consequence: missense variant.
Genome position (GRCh38, 1-based): chr5:128,301,441, G>T on the plus strand (C>A on the coding strand, the complement: FBN2 is on the minus strand). VCF-style: chr5-128301441-G-T. GRCh37 (hg19) VCF-style: chr5-127637133-G-T.
Other names: short protein forms S1996Y.
Identifiers: ClinVar variation 4781064 (VCV004781064.1).

ClinVar aggregate classification (germline): Uncertain significance (1 of 4 stars; one submission).

Conditions:
Congenital contractural arachnodactyly (CCA). Also called: BEALS SYNDROME; Arthrogryposis, distal, type 9; Beals-Hecht syndrome. Identifiers: Orphanet 115, MedGen C0220668, MONDO:0007363, OMIM 121050.

gnomAD v4.1: 1 of 1,613,150 alleles (0.000062%); highest among the groups gnomAD compares: Non-Finnish European, 0.000085%; no homozygotes.

Submission:

Labcorp Genetics (formerly Invitae), Labcorp
Classification: Uncertain significance for Congenital contractural arachnodactyly. Last evaluated: 2025-02-13. Review status: criteria provided, single submitter. Criteria: Invitae Variant Classification Sherloc (09022015). Collection method: clinical testing. Allele origin: germline.
Comment: This sequence change replaces serine, which is neutral and polar, with tyrosine, which is neutral and polar, at codon 1996 of the FBN2 protein (p.Ser1996Tyr). This variant is not present in population databases (gnomAD no frequency). This variant has not been reported in the literature in individuals affected with FBN2-related conditions. Invitae Evidence Modeling of protein sequence and biophysical properties (such as structural, functional, and spatial information, amino acid conservation, physicochemical variation, residue mobility, and thermodynamic stability) has been performed for this missense variant. However, the output from this modeling did not meet the statistical confidence thresholds required to predict the impact of this variant on FBN2 protein function. In summary, the available evidence is currently insufficient to determine the role of this variant in disease. Therefore, it has been classified as a Variant of Uncertain Significance.